The following is an entry in ClinVar:

ClinVar aggregate classification (germline): Pathogenic (1 of 4 stars; one submission).

Conditions:
Neurofibromatosis, type 1 (NF1). Also called: VON RECKLINGHAUSEN DISEASE; NEUROFIBROMATOSIS, TYPE I, SOMATIC; Peripheral type neurofibromatosis; Neurofibromatosis, type I. Identifiers: Orphanet 636, MedGen C0027831, MONDO:0018975, OMIM 162200. Disease mechanism: loss of function.

Submission:

Myriad Genetics, Inc.
Classification: Pathogenic for Neurofibromatosis, type 1. Last evaluated: 2026-04-21. Review status: criteria provided, single submitter. Criteria: Myriad Autosomal Dominant, Autosomal Recessive and X-Linked Classification Criteria (2023). Collection method: clinical testing. Allele origin: unknown.
Comment: This variant is considered pathogenic. This variant creates a frameshift predicted to result in premature protein truncation.

NM_001042492.3(NF1):c.2026dup (p.Thr676fs)

Gene: NF1 (neurofibromin 1; plus strand). Cytogenetic location: 17q11.2.
Variant type: Duplication.
Coding change: c.2026dup on transcript NM_001042492.3 (MANE Select); coding-DNA position 2026, one base duplicated (A; older notation c.2026dupA).
Protein change: p.Thr676fs; shifts the reading frame from threonine 676.
Molecular consequence: frameshift variant.
Genome position (GRCh38, 1-based): chr17:31,226,459, A duplicated; the last of 2 consecutive A bases (chr17:31,226,458-31,226,459); duplicating either gives the same sequence. VCF-style (leftmost placement, unchanged base first): chr17-31226457-G-GA. GRCh37 (hg19) VCF-style: chr17-29553475-G-GA.
Other names: c.2026dup, p.Thr676fs (NM_000267.4); short protein forms T676fs.
Identifiers: ClinVar variation 4876011 (VCV004876011.1).